The following is an entry in ClinVar:

NM_001033855.3(DCLRE1C):c.48A>G (p.Ile16Met)

Gene: DCLRE1C (DNA cross-link repair 1C; minus strand). Cytogenetic location: 10p13.
Variant type: single nucleotide variant.
Coding change: c.48A>G on transcript NM_001033855.3 (MANE Select); coding-DNA position 48, A replaced by G.
Protein change: p.Ile16Met; replaces isoleucine 16 with methionine.
Molecular consequence: missense variant. On other transcripts: 5 prime UTR variant (9), non-coding transcript variant (4).
Genome position (GRCh38, 1-based): chr10:14,953,963, T>C on the plus strand (A>G on the coding strand, the complement: DCLRE1C is on the minus strand). VCF-style: chr10-14953963-T-C. GRCh37 (hg19) VCF-style: chr10-14995962-T-C.
Other names: c.-398A>G (NM_001033857.3, NM_001350967.2); c.-720A>G (NM_001033858.3); c.-157A>G (NM_001289076.2); c.-444A>G (NM_001289077.2); c.-190A>G (NM_001289078.2, NM_001350966.2); c.-766A>G (NM_001289079.2); c.48A>G, p.Ile16Met (NM_001350965.2); c.-242A>G (NM_022487.4); short protein forms I16M.
Identifiers: ClinVar variation 3730178 (VCV003730178.2).

ClinVar aggregate classification (germline): Uncertain significance (1 of 4 stars; one submission).

Conditions:
Severe combined immunodeficiency due to DCLRE1C deficiency (RS-SCID). Also called: SCID, AUTOSOMAL RECESSIVE, T CELL-NEGATIVE, B CELL-NEGATIVE, NK CELL-POSITIVE, WITH SENSITIVITY TO IONIZING RADIATION. Identifiers: Orphanet 275, MedGen C1865371, MONDO:0011225, OMIM 602450.

Submission:

Labcorp Genetics (formerly Invitae), Labcorp
Classification: Uncertain significance for Athabaskan severe combined immunodeficiency. Last evaluated: 2024-09-23. Review status: criteria provided, single submitter. Criteria: Invitae Variant Classification Sherloc (09022015). Collection method: clinical testing. Allele origin: germline.
Comment: This sequence change replaces isoleucine, which is neutral and non-polar, with methionine, which is neutral and non-polar, at codon 16 of the DCLRE1C protein (p.Ile16Met). This variant is not present in population databases (gnomAD no frequency). This variant has not been reported in the literature in individuals affected with DCLRE1C-related conditions. An algorithm developed to predict the effect of missense changes on protein structure and function (PolyPhen-2) suggests that this variant is likely to be disruptive. This variant disrupts the p.Ile16 amino acid residue in DCLRE1C. Other variant(s) that disrupt this residue have been determined to be pathogenic (PMID: 15770702, 25917813; internal data). This suggests that this residue is clinically significant, and that variants that disrupt this residue are likely to be disease-causing. In summary, the available evidence is currently insufficient to determine the role of this variant in disease. Therefore, it has been classified as a Variant of Uncertain Significance.

Literature cited by the submitters: PubMed 15770702; PubMed 25917813.